The following is an entry in ClinVar:

NM_000548.5(TSC2):c.4868C>T (p.Thr1623Ile)

Gene: TSC2 (TSC complex subunit 2; plus strand). Cytogenetic location: 16p13.3.
Variant type: single nucleotide variant.
Coding change: c.4868C>T on transcript NM_000548.5 (MANE Select); coding-DNA position 4868, C replaced by T.
Protein change: p.Thr1623Ile; replaces threonine 1623 with isoleucine.
Molecular consequence: missense variant.
Genome position (GRCh38, 1-based): chr16:2,086,750, C>T. VCF-style: chr16-2086750-C-T. GRCh37 (hg19) VCF-style: chr16-2136751-C-T.
Other names: c.4667C>T, p.Thr1556Ile (NM_001077183.3); c.4799C>T, p.Thr1600Ile (NM_001114382.3); c.4559C>T, p.Thr1520Ile (NM_001318827.2); c.4523C>T, p.Thr1508Ile (NM_001318829.2); c.4136C>T, p.Thr1379Ile (NM_001318831.2); c.4700C>T, p.Thr1567Ile (NM_001318832.2); c.4670C>T, p.Thr1557Ile (NM_001363528.2); c.4736C>T, p.Thr1579Ile (NM_001370404.1); and 1 more; short protein forms T1623I, T1557I, T1600I, T1567I, T1579I, T1508I, T1520I, T1556I.
Identifiers: ClinVar variation 65301 (VCV000065301.8), dbSNP rs397515220, ClinGen allele CA021153.

ClinVar aggregate classification (germline): Pathogenic/Likely pathogenic. Review status: criteria provided, multiple submitters, no conflicts (2 of 4 stars). 4 submissions from 4 submitters: Pathogenic (1); Likely pathogenic (2). 1 of the submissions does not count toward it. Last evaluated 2025-04-10.

Conditions:
Tuberous sclerosis syndrome (TSC). Also called: Tuberous Sclerosis Complex; Tuberous sclerosis. Identifiers: Orphanet 805, MedGen C0041341, MONDO:0001734.
Tuberous sclerosis 2 (TSC2). Identifiers: Orphanet 805, MedGen C1860707, MONDO:0013199, OMIM 613254.

Submissions (4):

Labcorp Genetics (formerly Invitae), Labcorp
Classification: Pathogenic for Tuberous sclerosis 2. Last evaluated: 2025-04-10. Review status: criteria provided, single submitter. Criteria: Invitae Variant Classification Sherloc (09022015). Collection method: clinical testing. Allele origin: germline.
Comment: This sequence change replaces threonine, which is neutral and polar, with isoleucine, which is neutral and non-polar, at codon 1623 of the TSC2 protein (p.Thr1623Ile). This variant is not present in population databases (gnomAD no frequency). This missense change has been observed in individual(s) with tuberous sclerosis complex (PMID: 22903760, 34489640). In at least one individual the variant was observed to be de novo. ClinVar contains an entry for this variant (Variation ID: 65301). Invitae Evidence Modeling of protein sequence and biophysical properties (such as structural, functional, and spatial information, amino acid conservation, physicochemical variation, residue mobility, and thermodynamic stability) indicates that this missense variant is expected to disrupt TSC2 protein function with a positive predictive value of 95%. Experimental studies have shown that this missense change affects TSC2 function (PMID: 22903760). For these reasons, this variant has been classified as Pathogenic.

Cambridge Genomics Laboratory, East Genomic Laboratory Hub, NHS Genomic Medicine Service
Classification: Likely pathogenic for Tuberous sclerosis. Last evaluated: 2025-04-09. Review status: criteria provided, single submitter. Criteria: ACGS Best Practice Guidelines for Variant Classification in Rare Disease 2020. Collection method: clinical testing. Allele origin: germline. Affected: yes.
Comment: PS2_Moderate,PS3_Supporting,PM2,PP3,PP4

GeneDx
Classification: Likely pathogenic. Last evaluated: 2015-12-29. Review status: criteria provided, single submitter. Criteria: GeneDx Variant Classification (06012015). Collection method: clinical testing. Allele origin: germline. Affected: yes.
Comment: The T1623I variant in the TSC2 gene has previously been reported in a patient with suspected tuberous sclerosis complex (TSC) (Hoogeveen-Westerveld et al., 2013). Functional studies have shown that T1623I results in a significant reduction of TSC2 signal (Hoogeveen-Westerveld et al., 2013). The T1623I variant was not observed in approximately 6,500 individuals of European and African American ancestry in the NHLBI Exome Sequencing Project, indicating it is not a common benign variant in these populations. The T1623I variant is a non-conservative amino acid substitution, which is likely to impact secondary protein structure as these residues differ in polarity, charge, size and/or other properties. This substitution occurs at a position that is conserved across species. In silicoanalysis predicts this variant is probably damaging to the protein structure/function. Missense variants in nearby residues (H1620R, H1620Y, F1619S, L1624P) have been reported in the Human Gene Mutation Database inassociation with tuberous sclerosis (Stenson et al., 2014), supporting the functional importance of this region of the protein. The T1623I variant is a strong candidate for a pathogenic variant. However, the possibility it may be a rare benign variant cannot be excluded

Tuberous sclerosis database (TSC2)
No classification provided. Condition: TSC. Review status: no classification provided. Criteria: Tuberous Sclerosis Database Assertion Criteria 2015. Collection method: curation. Allele origin: germline. Affected: yes. Not counted in ClinVar's aggregate classification.

Literature cited by the submitters: PubMed 22903760 (cited by Labcorp Genetics (formerly Invitae), Labcorp); PubMed 34489640 (cited by Labcorp Genetics (formerly Invitae), Labcorp).